The following is an entry in ClinVar:

NM_001080453.3(INTS1):c.4279C>T (p.Arg1427Cys)

Gene: INTS1 (integrator complex subunit 1; minus strand). Cytogenetic location: 7p22.3.
Variant type: single nucleotide variant.
Coding change: c.4279C>T on transcript NM_001080453.3 (MANE Select); coding-DNA position 4279, C replaced by T.
Protein change: p.Arg1427Cys; replaces arginine 1427 with cysteine.
Molecular consequence: missense variant.
Genome position (GRCh38, 1-based): chr7:1,479,480, G>A on the plus strand (C>T on the coding strand, the complement: INTS1 is on the minus strand). VCF-style: chr7-1479480-G-A. GRCh37 (hg19) VCF-style: chr7-1519116-G-A.
Other names: c.796C>T, p.Arg266Cys (NM_015674.1); short protein forms R1427C, R266C.
Identifiers: ClinVar variation 1801175 (VCV001801175.2), dbSNP rs202052814, ClinGen allele CA4118929.

ClinVar aggregate classification (germline): Conflicting classifications of pathogenicity. Review status: criteria provided, conflicting classifications (1 of 4 stars). 2 submissions from 2 submitters: Uncertain significance (1); Likely benign (1). Last evaluated 2024-11-19.

Conditions:
Inborn genetic diseases. Identifiers: MedGen C0950123, MeSH D030342.

Allele frequency attached by ClinVar (database versions not stated): ESP Exome Variant Server 0.00024; ExAC 0.00055; gnomAD 0.00065; TOPMed 0.00065; 1000 Genomes Project 0.00080; 1000 Genomes Project 30x 0.00094.
gnomAD v4.1: 183 of 1,577,812 alleles (0.012%); highest among the groups gnomAD compares: African/African-American, 0.16%; 1 homozygote.

Submissions (2):

Ambry Genetics
Classification: Likely benign for Inborn genetic diseases. Last evaluated: 2024-11-19. Review status: criteria provided, single submitter. Criteria: Ambry Variant Classification Scheme 2023. Collection method: clinical testing. Allele origin: germline.

GeneDx
Classification: Uncertain significance. Last evaluated: 2022-05-26. Review status: criteria provided, single submitter. Criteria: GeneDx Variant Classification Process June 2021. Collection method: clinical testing. Allele origin: germline. Affected: yes.
Comment: In silico analysis supports that this missense variant has a deleterious effect on protein structure/function; Has not been previously published as pathogenic or benign to our knowledge